The following is an entry in ClinVar:

ClinVar aggregate classification (germline): Pathogenic (1 of 4 stars; one submission).

Conditions:
Duchenne muscular dystrophy (DMD). Also called: MUSCULAR DYSTROPHY, PSEUDOHYPERTROPHIC PROGRESSIVE, DUCHENNE TYPE; Duchenne Muscular Dystrophy (DMD). Identifiers: Orphanet 98896, MedGen C0013264, MONDO:0010679, OMIM 310200.

Submission:

Labcorp Genetics (formerly Invitae), Labcorp
Classification: Pathogenic for Duchenne muscular dystrophy. Last evaluated: 2022-10-19. Review status: criteria provided, single submitter. Criteria: Invitae Variant Classification Sherloc (09022015). Collection method: clinical testing. Allele origin: germline.
Comment: This variant is a gross deletion of the genomic region encompassing exon(s) 3-29 of the DMD gene. This variant would be expected to be in-frame, preserving the integrity of the reading frame. A similar copy number variant has been observed in individual(s) with Duchenne Muscular Dystrophy (PMID: 17680544). This variant disrupts a region of the DMD protein in which other variant(s) (Deletion (Exons 3-13)) have been determined to be pathogenic (PMID: 18974567, 21969337). This suggests that this is a clinically significant region of the protein, and that variants that disrupt it are likely to be disease-causing. For these reasons, this variant has been classified as Pathogenic.

Literature cited by the submitters: PubMed 17680544; PubMed 18974567; PubMed 21969337.

NC_000023.11:g.(?_32438221)_(32849840_?)del

Genes: MIR548F5 (microRNA 548f-5; minus strand), DMD (dystrophin; minus strand), MIR3915 (microRNA 3915; minus strand). Cytogenetic location: Xp21.1.
Variant type: Deletion.
Identifiers: ClinVar variation 583963 (VCV000583963.2).